The following is an entry in ClinVar:

NM_024675.4(PALB2):c.3038_3039del (p.Ile1013fs)

Gene: PALB2 (partner and localizer of BRCA2; minus strand). Cytogenetic location: 16p12.2.
Variant type: Microsatellite.
Coding change: c.3038_3039del on transcript NM_024675.4 (MANE Select); coding-DNA positions 3038 to 3039, 2 bases deleted (TA; older notation c.3038_3039delTA).
Protein change: p.Ile1013fs; shifts the reading frame from isoleucine 1013.
Molecular consequence: frameshift variant.
Genome position (GRCh38, 1-based): chr16:23,621,436-23,621,437, TA deleted on the plus strand (TA on the coding strand, the reverse complement: PALB2 is on the minus strand); deleting any 2 consecutive bases within chr16:23,621,436-23,621,439 gives the same sequence; the c. name uses the placement nearest the transcript's 3' end. VCF-style (leftmost placement, unchanged base first): chr16-23621435-GTA-G. GRCh37 (hg19) VCF-style: chr16-23632756-GTA-G.
Other names: c.3038_3039delTA (NM_024675.3); short protein forms I1013fs.
Identifiers: ClinVar variation 660496 (VCV000660496.8), dbSNP rs1597079810, ClinGen allele CA915949167.

ClinVar aggregate classification (germline): Pathogenic. Review status: criteria provided, multiple submitters, no conflicts (2 of 4 stars). 2 submissions from 2 submitters: Pathogenic (2). Last evaluated 2023-09-14.

Conditions:
Familial cancer of breast. Also called: Hereditary breast cancer; hereditary breast carcinoma; BREAST CANCER, FAMILIAL. Identifiers: Orphanet 227535, MedGen C0346153, MONDO:0016419, OMIM 114480. Disease mechanism: loss of function.

Submissions (2):

Myriad Genetics, Inc.
Classification: Pathogenic for Familial cancer of breast. Last evaluated: 2023-09-14. Review status: criteria provided, single submitter. Criteria: Myriad Autosomal Dominant, Autosomal Recessive and X-Linked Classification Criteria (2023). Collection method: clinical testing. Allele origin: unknown.
Comment: This variant is considered pathogenic. This variant creates a frameshift predicted to result in premature protein truncation.

Labcorp Genetics (formerly Invitae), Labcorp
Classification: Pathogenic for Familial cancer of breast. Last evaluated: 2020-07-15. Review status: criteria provided, single submitter. Criteria: Invitae Variant Classification Sherloc (09022015). Collection method: clinical testing. Allele origin: germline.
Comment: For these reasons, this variant has been classified as Pathogenic. Loss-of-function variants in PALB2 are known to be pathogenic (PMID: 17200668, 24136930, 25099575). This variant has not been reported in the literature in individuals with PALB2-related conditions. ClinVar contains an entry for this variant (Variation ID: 660496). This variant is not present in population databases (ExAC no frequency). This sequence change creates a premature translational stop signal (p.Ile1013Thrfs*5) in the PALB2 gene. It is expected to result in an absent or disrupted protein product.

Literature cited by the submitters: PubMed 17200668 (cited by Labcorp Genetics (formerly Invitae), Labcorp); PubMed 24136930 (cited by Labcorp Genetics (formerly Invitae), Labcorp); PubMed 25099575 (cited by Labcorp Genetics (formerly Invitae), Labcorp).